The following is an entry in ClinVar:

NM_152564.5(VPS13B):c.8446-10A>G

Gene: VPS13B (vacuolar protein sorting 13 homolog B; plus strand). Cytogenetic location: 8q22.2.
Variant type: single nucleotide variant.
Coding change: c.8446-10A>G on transcript NM_152564.5 (MANE Select); 10 bases into the intron before coding-DNA position 8446, A replaced by G.
Molecular consequence: intron variant.
Genome position (GRCh38, 1-based): chr8:99,818,703, A>G. VCF-style: chr8-99818703-A-G. GRCh37 (hg19) VCF-style: chr8-100830931-A-G.
Other names: c.8446-10A>G (NM_152564.4); c.8521-10A>G (NM_017890.5).
Identifiers: ClinVar variation 1110496 (VCV001110496.11), dbSNP rs1009617201, ClinGen allele CA182328067.
Genomic context (GRCh38, chr8:99,818,703, plus strand): 5'-TCAGCATCAAACAGCTGGAATACTGCAACAAAGCAAATATGAAAGTTGTTCTATCCTTTT[A>G]TTTTTATAGATTGTGTTCAGCCCTCTTTTTATCATGAGGAGTCATCTTCCAGACCCCATT-3'

ClinVar aggregate classification (germline): Likely benign. Review status: criteria provided, single submitter (1 of 4 stars). 2 submissions from 2 submitters: Likely benign (1). 1 of the submissions does not count toward it. Last evaluated 2024-02-06.

Conditions:
Cohen syndrome (COH1). Also called: Cutis verticis gyrata, retinitis pigmentosa, and sensorineural deafness; PEPPER SYNDROME. Identifiers: Orphanet 193, MedGen C0265223, MONDO:0008999, OMIM 216550.
VPS13B-related disorder. Also called: VPS13B-related condition.

Allele frequency attached by ClinVar (database versions not stated): gnomAD exomes below 0.00001; gnomAD 0.00001; TOPMed 0.00002.
gnomAD v4.1: 3 of 1,613,336 alleles (0.00019%); highest among the groups gnomAD compares: Middle Eastern, 0.016%; no homozygotes.

Submissions (2):

Labcorp Genetics (formerly Invitae), Labcorp
Classification: Likely benign for Cohen syndrome. Last evaluated: 2024-02-06. Review status: criteria provided, single submitter. Criteria: Invitae Variant Classification Sherloc (09022015). Collection method: clinical testing. Allele origin: germline.

PreventionGenetics, part of Exact Sciences
Classification: Likely benign for VPS13B-related condition. Last evaluated: 2023-12-12. Review status: no assertion criteria provided. Collection method: clinical testing. Allele origin: germline. Not counted in ClinVar's aggregate classification.
Comment: This variant is classified as likely benign based on ACMG/AMP sequence variant interpretation guidelines (Richards et al. 2015 PMID: 25741868, with internal and published modifications).